The following is an entry in ClinVar:

NM_004168.4(SDHA):c.716T>G (p.Ile239Arg)

Gene: SDHA (succinate dehydrogenase complex flavoprotein subunit A; plus strand). Cytogenetic location: 5p15.33.
Variant type: single nucleotide variant.
Coding change: c.716T>G on transcript NM_004168.4 (MANE Select); coding-DNA position 716, T replaced by G.
Protein change: p.Ile239Arg; replaces isoleucine 239 with arginine.
Molecular consequence: missense variant.
Genome position (GRCh38, 1-based): chr5:228,279, T>G. VCF-style: chr5-228279-T-G. GRCh37 (hg19) VCF-style: chr5-228394-T-G.
Other names: c.716T>G (NM_004168.3, NM_004168.2); c.572T>G, p.Ile191Arg (NM_001294332.2); c.716T>G, p.Ile239Arg (NM_001330758.2); short protein forms I191R, I239R.
Identifiers: ClinVar variation 2416121 (VCV002416121.13), dbSNP rs1466069757, ClinGen allele CA359011030.

ClinVar aggregate classification (germline): Uncertain significance. Review status: criteria provided, multiple submitters, no conflicts (2 of 4 stars). 4 submissions from 4 submitters: Uncertain significance (4). Last evaluated 2026-01-13.

Conditions:
SDHA-related disorder. Also called: SDHA-related condition; SDHA-related disorders.
Pheochromocytoma/paraganglioma syndrome 5. Also called: Paragangliomas 5; SDHA-Related Hereditary Paraganglioma-Pheochromocytoma Syndrome. Identifiers: Orphanet 29072, MedGen C3279992, MONDO:0013602, OMIM 614165.
Mitochondrial complex II deficiency, nuclear type 1. Also called: SUCCINATE CoQ REDUCTASE DEFICIENCY. Identifiers: Orphanet 3208, MedGen C5700310, MONDO:0100294, OMIM 252011.
Hereditary cancer-predisposing syndrome. Also called: Neoplastic Syndromes, Hereditary; Tumor predisposition; Hereditary Cancer Syndrome; Hereditary neoplastic syndrome. Identifiers: Orphanet 140162, MedGen C0027672, MeSH D009386, MONDO:0015356.
Dilated cardiomyopathy 1GG (CMD1GG). Identifiers: Orphanet 154, MedGen C3150898, MONDO:0013339, OMIM 613642.

Submissions (4):

Labcorp Genetics (formerly Invitae), Labcorp
Classification: Uncertain significance for Pheochromocytoma/paraganglioma syndrome 5; Mitochondrial complex II deficiency, nuclear type 1. Last evaluated: 2026-01-13. Review status: criteria provided, single submitter. Criteria: Invitae Variant Classification Sherloc (09022015). Collection method: clinical testing. Allele origin: germline.
Comment: This sequence change replaces isoleucine, which is neutral and non-polar, with arginine, which is basic and polar, at codon 239 of the SDHA protein (p.Ile239Arg). This variant is present in population databases (no rsID available, gnomAD 0.003%). This variant has not been reported in the literature in individuals affected with SDHA-related conditions. ClinVar contains an entry for this variant (Variation ID: 2416121). Invitae Evidence Modeling of protein sequence and biophysical properties (such as structural, functional, and spatial information, amino acid conservation, physicochemical variation, residue mobility, and thermodynamic stability) indicates that this missense variant is not expected to disrupt SDHA protein function with a negative predictive value of 95%. In summary, the available evidence is currently insufficient to determine the role of this variant in disease. Therefore, it has been classified as a Variant of Uncertain Significance.

Ambry Genetics
Classification: Uncertain significance for Hereditary cancer-predisposing syndrome. Last evaluated: 2025-01-24. Review status: criteria provided, single submitter. Criteria: Ambry Variant Classification Scheme 2023. Collection method: clinical testing. Allele origin: germline.
Comment: The p.I239R variant (also known as c.716T>G), located in coding exon 6 of the SDHA gene, results from a T to G substitution at nucleotide position 716. The isoleucine at codon 239 is replaced by arginine, an amino acid with similar properties. This amino acid position is conserved. In addition, this alteration is predicted to be tolerated by in silico analysis. Based on the available evidence, the clinical significance of this variant remains unclear.

Baylor Genetics
Classification: Uncertain significance for Dilated cardiomyopathy 1GG. Last evaluated: 2023-08-11. Review status: criteria provided, single submitter. Criteria: ACMG Guidelines, 2015. Collection method: clinical testing. Allele origin: unknown.

PreventionGenetics, part of Exact Sciences
Classification: Uncertain significance for SDHA-related condition. Last evaluated: 2022-08-24. Review status: criteria provided, single submitter. Criteria: ACMG Guidelines, 2015. Collection method: clinical testing. Allele origin: germline.
Comment: The SDHA c.716T>G variant is predicted to result in the amino acid substitution p.Ile239Arg. To our knowledge, this variant has not been reported in the literature. This variant is reported in 0.0029% of alleles in individuals of Latino descent in gnomAD. At this time, the clinical significance of this variant is uncertain due to the absence of conclusive functional and genetic evidence.